The following is an entry in ClinVar:

ClinVar aggregate classification (germline): Uncertain significance (1 of 4 stars; one submission).

Submission:

Labcorp Genetics (formerly Invitae), Labcorp
Classification: Uncertain significance. Last evaluated: 2023-10-20. Review status: criteria provided, single submitter. Criteria: Invitae Variant Classification Sherloc (09022015). Collection method: clinical testing. Allele origin: germline.
Comment: This sequence change replaces threonine, which is neutral and polar, with asparagine, which is neutral and polar, at codon 2927 of the FAT2 protein (p.Thr2927Asn). This variant is not present in population databases (gnomAD no frequency). This variant has not been reported in the literature in individuals affected with FAT2-related conditions. Advanced modeling of protein sequence and biophysical properties (such as structural, functional, and spatial information, amino acid conservation, physicochemical variation, residue mobility, and thermodynamic stability) performed at Invitae indicates that this missense variant is not expected to disrupt FAT2 protein function. In summary, the available evidence is currently insufficient to determine the role of this variant in disease. Therefore, it has been classified as a Variant of Uncertain Significance.

NM_001447.3(FAT2):c.8780C>A (p.Thr2927Asn)

Genes: FAT2 (FAT atypical cadherin 2; minus strand), SLC36A1 (solute carrier family 36 member 1; plus strand). Cytogenetic location: 5q33.1.
Variant type: single nucleotide variant.
Coding change: c.8780C>A on transcript NM_001447.3 (MANE Select); coding-DNA position 8780, C replaced by A.
Protein change: p.Thr2927Asn; replaces threonine 2927 with asparagine.
Molecular consequence: missense variant.
Genome position (GRCh38, 1-based): chr5:151,542,347, G>T on the plus strand (C>A on the coding strand, the complement: FAT2 is on the minus strand). VCF-style: chr5-151542347-G-T. GRCh37 (hg19) VCF-style: chr5-150921908-G-T.
Other names: short protein forms T2927N.
Identifiers: ClinVar variation 2761364 (VCV002761364.3), dbSNP rs2479837664, ClinGen allele CA361830664.